The following is an entry in ClinVar:

ClinVar aggregate classification (germline): Conflicting classifications of pathogenicity. Review status: criteria provided, conflicting classifications (1 of 4 stars). 5 submissions from 5 submitters: Uncertain significance (1); Likely benign (4). Last evaluated 2026-02-01.

Conditions:
CEP78-related disorder. Also called: CEP78-related condition.
Inborn genetic diseases. Identifiers: MedGen C0950123, MeSH D030342.

Allele frequency attached by ClinVar (database versions not stated): gnomAD 0.00006; TOPMed 0.00016.
gnomAD v4.1: 234 of 1,610,564 alleles (0.015%); highest among the groups gnomAD compares: Middle Eastern, 0.16%; no homozygotes.

Submissions (6):

Labcorp Genetics (formerly Invitae), Labcorp
Classification: Likely benign. Last evaluated: 2026-02-01. Review status: criteria provided, single submitter. Criteria: Invitae Variant Classification Sherloc (09022015). Collection method: clinical testing. Allele origin: germline.

Blueprint Genetics
Classification: Likely benign. Last evaluated: 2024-11-26. Review status: criteria provided, single submitter. Criteria: ACMG Guidelines, 2015. Collection method: clinical testing. Allele origin: germline.

PreventionGenetics, part of Exact Sciences
Classification: Likely benign for CEP78-related condition. Last evaluated: 2024-10-03. Review status: criteria provided, single submitter. Criteria: ACMG Guidelines, 2015. Collection method: clinical testing. Allele origin: germline.
Comment: This variant is classified as likely benign based on ACMG/AMP sequence variant interpretation guidelines (Richards et al. 2015 PMID: 25741868, with internal and published modifications).

Ambry Genetics
Classification: Uncertain significance for Inborn genetic diseases. Last evaluated: 2022-04-06. Review status: criteria provided, single submitter. Criteria: Ambry Variant Classification Scheme 2023. Collection method: clinical testing. Allele origin: germline.

Laboratory for Molecular Medicine, Mass General Brigham Personalized Medicine
Classification: Likely benign. Last evaluated: 2018-09-12. Review status: criteria provided, single submitter. Criteria: LMM Criteria. Collection method: clinical testing. Allele origin: germline. Observed: 1 variant allele.
Comment: The p.Val426Leu variant in CEP78 is classified as likely benign because it has b een identified in 0.3% (29/10100) of Ashkenazi Jewish chromosomes by the Genome Aggregation Database (gnomAD). ACMG/AMP Criter ia applied: BS1.

Dr. Peter K. Rogan Lab, Western University
No classification provided (evidence only). Condition: Thyroid cancer, nonmedullary, 1. Review status: no classification provided. Collection method: in vitro. Allele origin: not applicable. Functional consequence: retained intron. Not counted in ClinVar's aggregate classification.

NM_001330691.3(CEP78):c.1273G>C (p.Val425Leu)

Gene: CEP78 (centrosomal protein 78; plus strand). Cytogenetic location: 9q21.2.
Variant type: single nucleotide variant.
Coding change: c.1273G>C on transcript NM_001330691.3 (MANE Select); coding-DNA position 1273, G replaced by C.
Protein change: p.Val425Leu; replaces valine 425 with leucine.
Molecular consequence: missense variant.
Genome position (GRCh38, 1-based): chr9:78,254,857, G>C. VCF-style: chr9-78254857-G-C. GRCh37 (hg19) VCF-style: chr9-80869773-G-C.
Other names: c.1276G>C, p.Val426Leu (NM_001098802.3, NM_001349839.2, NM_001349840.2 and 1 more transcripts); c.1273G>C, p.Val425Leu (NM_001330693.3, NM_001330694.2, NM_001349838.2); short protein forms V426L, V425L.
Identifiers: ClinVar variation 667092 (VCV000667092.15), dbSNP rs375721961, ClinGen allele CA5095211.
Genomic context (GRCh38, chr9:78,254,857, plus strand): 5'-GGTTTATATTATTATACAATCTTGTCCTCTTTTTTTAAGCAACCAGGTTTTCCTGTGACT[G>C]TGACAGTAGAGAGTCCTTCATCCTCTGAAGTTGAAGAGGTTGATGATTCTTCAGAGAGTG-3'
Protein context (NP_001317620.1, residues 415-435): QLQQPGFPVT[Val425Leu]TVESPSSSEV